The following is an entry in ClinVar:

NM_000170.3(GLDC):c.846_847del (p.Arg282fs)

Gene: GLDC (glycine decarboxylase; minus strand). Cytogenetic location: 9p24.1.
Variant type: Microsatellite.
Coding change: c.846_847del on transcript NM_000170.3 (MANE Select); coding-DNA positions 846 to 847, 2 bases deleted (AG; older notation c.846_847delAG).
Protein change: p.Arg282fs; shifts the reading frame from arginine 282.
Molecular consequence: frameshift variant.
Genome position (GRCh38, 1-based): chr9:6,605,145-6,605,146, CT deleted on the plus strand (AG on the coding strand, the reverse complement: GLDC is on the minus strand); deleting any 2 consecutive bases within chr9:6,605,145-6,605,151 gives the same sequence; the c. name uses the placement nearest the transcript's 3' end. VCF-style (leftmost placement, unchanged base first): chr9-6605144-GCT-G. GRCh37 (hg19) VCF-style: chr9-6605144-GCT-G.
Other names: c.841_842GA[2], p.Arg282Serfs (NM_000170.2); c.846_847del (NM_000170.2); short protein forms R282fs.
Identifiers: ClinVar variation 2584425 (VCV002584425.4), dbSNP rs2489104177, ClinGen allele CA2582341982.

ClinVar aggregate classification (germline): Pathogenic. Review status: criteria provided, multiple submitters, no conflicts (2 of 4 stars). 2 submissions from 2 submitters: Pathogenic (2). Last evaluated 2023-03-04.

Conditions:
Glycine encephalopathy. Also called: Nonketotic hyperglycinemia; Non-ketotic hyperglycinemia. Identifiers: Orphanet 407, MedGen C0751748, MONDO:0011612, HP:0008288.

Submissions (2):

Labcorp Genetics (formerly Invitae), Labcorp
Classification: Pathogenic for Glycine encephalopathy. Last evaluated: 2023-03-04. Review status: criteria provided, single submitter. Criteria: Invitae Variant Classification Sherloc (09022015). Collection method: clinical testing. Allele origin: germline.
Comment: For these reasons, this variant has been classified as Pathogenic. This variant has not been reported in the literature in individuals affected with GLDC-related conditions. This variant is not present in population databases (gnomAD no frequency). This sequence change creates a premature translational stop signal (p.Arg282Serfs*13) in the GLDC gene. It is expected to result in an absent or disrupted protein product. Loss-of-function variants in GLDC are known to be pathogenic (PMID: 16601880).

Rady Children's Institute for Genomic Medicine, Rady Children's Hospital San Diego
Classification: Pathogenic for GLYCINE ENCEPHALOPATHY. Review status: criteria provided, single submitter. Criteria: ACMG Guidelines, 2015. Collection method: clinical testing. Allele origin: germline. Affected: yes.
Comment: This frameshifting variant in exon 6 of 25 introduces a premature stop codon and is therefore predicted to result in loss of normal protein function through either protein truncation or nonsense-mediated mRNA decay (NMD). This variant has not been previously reported or functionally characterized in the literature to our knowledge. It is absent from the gnomAD population database and thus is presumed to be rare. Based on the available evidence, the c.846_847del (p.Arg282SerfsTer13) variant is classified as Pathogenic.

Literature cited by the submitters: PubMed 16601880 (cited by Labcorp Genetics (formerly Invitae), Labcorp).